The following is an entry in ClinVar:

ClinVar aggregate classification (germline): Benign (1 of 4 stars; one submission).

Conditions:
Fanconi anemia complementation group A (FANCA). Also called: FANCA-Related Fanconi Anemia; Fanconi anemia, group A. Identifiers: Orphanet 84, MedGen C3469521, MONDO:0009215, OMIM 227650.

Allele frequency attached by ClinVar (database versions not stated): ExAC 0.00547; gnomAD 0.01850; TOPMed 0.01980; 1000 Genomes Project 0.02077; 1000 Genomes Project 30x 0.02186.
gnomAD v4.1: 5,134 of 1,613,778 alleles (0.32%); highest among the groups gnomAD compares: African/African-American, 6%; 168 homozygotes.

Submission:

Illumina Laboratory Services, Illumina
Classification: Benign for Fanconi anemia complementation group A. Last evaluated: 2018-01-13. Review status: criteria provided, single submitter. Criteria: ICSL Variant Classification Criteria 13 December 2019. Collection method: clinical testing. Allele origin: germline.
Comment: This variant was observed in the ICSL laboratory as part of a predisposition screen in an ostensibly healthy population. It had not been previously curated by ICSL or reported in the Human Gene Mutation Database (HGMD: prior to June 1st, 2018), and was therefore a candidate for classification through an automated scoring system. Utilizing variant allele frequency, disease prevalence and penetrance estimates, and inheritance mode, an automated score was calculated to assess if this variant is too frequent to cause the disease. Based on the score and internal cut-off values, a variant classified as benign is not then subjected to further curation. The score for this variant resulted in a classification of benign for this disease.

NM_000135.4(FANCA):c.*670G>T

Genes: ZNF276 (zinc finger protein 276; plus strand), FANCA (FA complementation group A; minus strand). Cytogenetic location: 16q24.3.
Variant type: single nucleotide variant.
Coding change: c.*670G>T on transcript NM_000135.4 (MANE Select); 670 bases downstream of the stop codon, G replaced by T.
Molecular consequence: 3 prime UTR variant. On other transcripts: intron variant (2).
Genome position (GRCh38, 1-based): chr16:89,737,931, C>A on the plus strand (G>T on the coding strand, the complement: FANCA is on the minus strand). VCF-style: chr16-89737931-C-A. GRCh37 (hg19) VCF-style: chr16-89804339-C-A.
Other names: c.*767G>T (NM_001286167.3); c.1349+26C>A (NM_152287.4); c.1574+26C>A (NM_001113525.2).
Identifiers: ClinVar variation 886246 (VCV000886246.4), dbSNP rs17233812, ClinGen allele CA8250440.
Genomic context (GRCh38, chr16:89,737,931, plus strand): 5'-CACCAAATGCGACATTCGGGAGCCAAGCCTTTGCAGTAAGTGTGAGTCAGGACCCCCTCC[C>A]AGGGCTGTGGCCCTCGCACCTTCTTATCTGCCTCTGTCCCCCAGGTGTGAGGTCTGTGGG-3'